The following is an entry in ClinVar:

NM_001112726.3(CEP170B):c.2436G>A (p.Pro812=)

Gene: CEP170B (centrosomal protein 170B; plus strand). Cytogenetic location: 14q32.33.
Variant type: single nucleotide variant.
Coding change: c.2436G>A on transcript NM_001112726.3 (MANE Select); coding-DNA position 2436, G replaced by A.
Protein change: p.Pro812=; no amino-acid change (proline 812 retained).
Molecular consequence: synonymous variant.
Genome position (GRCh38, 1-based): chr14:104,886,675, G>A. VCF-style: chr14-104886675-G-A. GRCh37 (hg19) VCF-style: chr14-105353012-G-A.
Other names: c.2226G>A, p.Pro742= (NM_015005.3).
Identifiers: ClinVar variation 3040565 (VCV003040565.2), dbSNP rs200246088, ClinGen allele CA7375860.

ClinVar aggregate classification (germline): Likely benign (0 of 4 stars; one submission).

Conditions:
CEP170B-related disorder. Also called: CEP170B-related condition.

Allele frequency attached by ClinVar (database versions not stated): gnomAD 0.00025; TOPMed 0.00025; ExAC 0.00026; 1000 Genomes Project 30x 0.00062; 1000 Genomes Project 0.00080.
gnomAD v4.1: 548 of 1,544,690 alleles (0.035%); highest among the groups gnomAD compares: Middle Eastern, 0.18%; no homozygotes.

Submission:

PreventionGenetics, part of Exact Sciences
Classification: Likely benign for CEP170B-related condition. Last evaluated: 2019-09-17. Review status: no assertion criteria provided. Collection method: clinical testing. Allele origin: germline.
Comment: This variant is classified as likely benign based on ACMG/AMP sequence variant interpretation guidelines (Richards et al. 2015 PMID: 25741868, with internal and published modifications).